The following is an entry in ClinVar:

ClinVar aggregate classification (germline): Pathogenic (1 of 4 stars; one submission).

Conditions:
Primary ciliary dyskinesia 3. Identifiers: Orphanet 244, MedGen C1837618, MONDO:0012085, OMIM 608644.

Submission:

Myriad Genetics, Inc.
Classification: Pathogenic for Primary ciliary dyskinesia 3. Last evaluated: 2024-05-14. Review status: criteria provided, single submitter. Criteria: Myriad Autosomal Dominant, Autosomal Recessive and X-Linked Classification Criteria (2023). Collection method: clinical testing. Allele origin: unknown.
Comment: NM_001369.2(DNAH5):c.12619_12620ins10(N4207Sfs*10) is expected to be pathogenic in the context of primary ciliary dyskinesia, DNAH5-related. This variant is predicted to lead to an abnormal or absent protein product due to the creation of a premature termination codon in DNAH5, a gene where loss-of-function variants are known to be pathogenic. Please note: this variant was assessed in the context of healthy population screening.

NM_001369.3(DNAH5):c.12619_12620insGCATTAGTAT (p.Asn4207fs)

Gene: DNAH5 (dynein axonemal heavy chain 5; minus strand). Cytogenetic location: 5p15.2.
Variant type: Insertion.
Coding change: c.12619_12620insGCATTAGTAT on transcript NM_001369.3 (MANE Select); coding-DNA positions 12619 to 12620, GCATTAGTAT inserted.
Protein change: p.Asn4207fs; shifts the reading frame from asparagine 4207.
Molecular consequence: frameshift variant.
Genome position: GRCh38 VCF-style: chr5-13717400-T-TATACTAATGC. GRCh37 (hg19) VCF-style: chr5-13717509-T-TATACTAATGC.
Other names: short protein forms N4207fs.
Identifiers: ClinVar variation 5010997 (VCV005010997.1).
Genomic context (GRCh38, chr5:13,717,400, plus strand): 5'-TGGTTTTGGATGAACTGCACAGTGGCATTAAAGTCCGCTTGGTTAAATTCGTAGGGGATA[T>TATACTAATGC]TCCACCCCAGGGCACCGAACTTGCGCCTCTCCTGGACAGTGGAGTGCAGGAAAGCCACTG-3'